The following continues an entry in ClinVar:

NM_001369.3(DNAH5):c.13458dup (p.Asn4487Ter)

Gene: DNAH5. ClinVar aggregate classification (germline): Pathogenic/Likely pathogenic. Pathogenic (13); Likely pathogenic (2).

Submissions 14 to 17 of 17:

UNC Molecular Genetics  Laboratory, University of North Carolina at Chapel Hill
Classification: Likely pathogenic for Primary ciliary dyskinesia. Last evaluated: 2018-11-08. Review status: criteria provided, single submitter. Criteria: ACMG Guidelines, 2015. Collection method: clinical testing. Allele origin: germline. Affected: yes. Observed: 1 compound heterozygote.

Illumina Laboratory Services, Illumina
Classification: Likely pathogenic for Primary Ciliary Dyskinesia. Last evaluated: 2016-06-14. Review status: criteria provided, single submitter. Criteria: ICSL Variant Classification 20161018. Collection method: clinical testing. Allele origin: germline.
Comment: The c.13458dupT (p.Asn4487Ter) variant results in a frameshift, and is predicted to result in premature termination of the protein. The p.Asn4487Ter variant has been reported in one patient with primary ciliary dyskinesia in a homozygous state, and three patients in a compound heterozygous state with a second missense or frameshift variant (Hornef et al. 2006). Control data are unavailable for this variant, which is reported at a frequency of 0.00070 in the African American population of the Exome Sequencing Project. Based on the evidence and the potential impact of frameshift variants, the p.Asn4487Ter variant is classified as likely pathogenic for primary ciliary dyskinesia.

PreventionGenetics, part of Exact Sciences
Classification: Pathogenic for DNAH5-related condition. Last evaluated: 2024-05-21. Review status: no assertion criteria provided. Collection method: clinical testing. Allele origin: germline. Not counted in ClinVar's aggregate classification.
Comment: The DNAH5 c.13458dupT variant is predicted to result in premature protein termination (p.Asn4487*). This variant has been reported in the homozygous or compound heterozygous state in individuals with primary ciliary dyskinesia (see, for example, Hornef et al. 2006. PubMed ID: 16627867; Quinlan-Jones et al. 2018. PubMed ID: 30293990; Fassad et al. 2019. PubMed ID: 31879361). This variant is reported in 0.012% of alleles in individuals of African descent in gnomAD. Nonsense variants in DNAH5 are expected to be pathogenic. This variant is interpreted as pathogenic.

Genomics England Pilot Project, Genomics England
Classification: Pathogenic for Primary ciliary dyskinesia 3. Review status: no assertion criteria provided. Criteria: ACGS Guidelines, 2016. Collection method: clinical testing. Allele origin: germline. Affected: yes. Not counted in ClinVar's aggregate classification.

Literature cited by the submitters: PubMed 16627867 (cited by 5 submitters); PubMed 21270641 (cited by 4 submitters); PubMed 24498942 (cited by Mayo Clinic Laboratories, Mayo Clinic and Illumina Laboratory Services, Illumina); PubMed 30293990 (cited by Mayo Clinic Laboratories, Mayo Clinic and Natera, Inc.); PubMed 31638833 (cited by Mayo Clinic Laboratories, Mayo Clinic); PubMed 31879361 (cited by Mayo Clinic Laboratories, Mayo Clinic); PubMed 33635012 (cited by Mayo Clinic Laboratories, Mayo Clinic and Victorian Clinical Genetics Services, Murdoch Childrens Research Institute); PubMed 34791246 (cited by Mayo Clinic Laboratories, Mayo Clinic); PubMed 35753512 (cited by Mayo Clinic Laboratories, Mayo Clinic); PubMed 11788826 (cited by Labcorp Genetics (formerly Invitae), Labcorp).